The following is an entry in ClinVar:

ClinVar aggregate classification (germline): Pathogenic (1 of 4 stars; one submission).

Conditions:
PURA Syndrome. Identifiers: MedGen C4708498.

Submission:

Rady Children's Institute for Genomic Medicine, Rady Children's Hospital San Diego
Classification: Pathogenic for PURA Syndrome. Last evaluated: 2019-02-20. Review status: criteria provided, single submitter. Criteria: ACMG Guidelines, 2015. Collection method: clinical testing. Allele origin: germline. Affected: yes. Observed: 1 variant allele.
Comment: This frameshifting variant in exon 1 of 1 introduces a premature stop codon and is therefore predicted to result in loss of normal protein function. This variant has not been previously reported or functionally characterized in the literature to our knowledge. Loss of function variants are established as a mechanism for disease in the PURA gene (PMID: 29150892). It is absent from the ExAC and gnomAD population databases and thus is presumed to be rare. Based on the available evidence, the c.424dup, p.Ala142GlyfsTer59 variant is classified as Pathogenic.

NM_005859.5(PURA):c.424dup (p.Ala142fs)

Genes: PURA (purine rich element binding protein A; plus strand), LOC129994826 (ATAC-STARR-seq lymphoblastoid active region 23260; plus strand). Cytogenetic location: 5q31.3.
Variant type: Duplication.
Coding change: c.424dup on transcript NM_005859.5 (MANE Select); coding-DNA position 424, one base duplicated (G; older notation c.424dupG).
Protein change: p.Ala142fs; shifts the reading frame from alanine 142.
Molecular consequence: frameshift variant.
Genome position (GRCh38, 1-based): chr5:140,114,605, G duplicated; the last of 3 consecutive G bases (chr5:140,114,603-140,114,605); duplicating any one gives the same sequence. VCF-style (leftmost placement, unchanged base first): chr5-140114602-C-CG. GRCh37 (hg19) VCF-style: chr5-139494187-C-CG.
Other names: short protein forms A142fs.
Identifiers: ClinVar variation 692074 (VCV000692074.1), dbSNP rs1581036383, ClinGen allele CA915942638.